The following is an entry in ClinVar:

NM_000094.4(COL7A1):c.7522-11_7522-10del

Gene: COL7A1 (collagen type VII alpha 1 chain; minus strand). Cytogenetic location: 3p21.31.
Variant type: Deletion.
Coding change: c.7522-11_7522-10del on transcript NM_000094.4 (MANE Select); 11 bases into the intron before coding-DNA position 7522 through 10 bases into the intron before coding-DNA position 7522, 2 bases deleted (TT; older notation c.7522-11_7522-10delTT).
Molecular consequence: intron variant.
Genome position (GRCh38, 1-based): chr3:48,569,770-48,569,771, AA deleted on the plus strand (TT on the coding strand, the reverse complement: COL7A1 is on the minus strand); deleting any 2 consecutive bases within chr3:48,569,770-48,569,773 gives the same sequence; the c. name uses the placement nearest the transcript's 3' end. VCF-style (leftmost placement, unchanged base first): chr3-48569769-CAA-C. GRCh37 (hg19) VCF-style: chr3-48607202-CAA-C.
Identifiers: ClinVar variation 1948096 (VCV001948096.6), dbSNP rs2530849508, ClinGen allele CA2580070165.
Genomic context (GRCh38, chr3:48,569,769, plus strand): 5'-CCATGCCCACACTCACCTTGTCACCCTTTAGTCCTGCACTCCCAACATCACCCTATTGGG[CAA>C]AAGAGTGTGAGTCCCGCCCAAACTGGGGAGGCCCCGCACCTGAATTCTAATATCATACAA-3'

ClinVar aggregate classification (germline): Uncertain significance. Review status: criteria provided, multiple submitters, no conflicts (2 of 4 stars). 2 submissions from 2 submitters: Uncertain significance (2). Last evaluated 2022-05-30.

Submissions (2):

Labcorp Genetics (formerly Invitae), Labcorp
Classification: Uncertain significance. Last evaluated: 2022-05-30. Review status: criteria provided, single submitter. Criteria: Invitae Variant Classification Sherloc (09022015). Collection method: clinical testing. Allele origin: germline.
Comment: This variant is not present in population databases (gnomAD no frequency). This sequence change falls in intron 99 of the COL7A1 gene. It does not directly change the encoded amino acid sequence of the COL7A1 protein. This variant has not been reported in the literature in individuals affected with COL7A1-related conditions. In summary, the available evidence is currently insufficient to determine the role of this variant in disease. Therefore, it has been classified as a Variant of Uncertain Significance. Algorithms developed to predict the effect of sequence changes on RNA splicing suggest that this variant may disrupt the consensus splice site.

Blueprint Genetics
Classification: Uncertain significance. Last evaluated: 2020-06-25. Review status: criteria provided, single submitter. Criteria: ACMG Guidelines, 2015. Collection method: clinical testing. Allele origin: germline.